The following is an entry in ClinVar:

NM_000038.6(APC):c.2776T>C (p.Ser926Pro)

Gene: APC (APC regulator of Wnt signaling pathway; plus strand). Cytogenetic location: 5q22.2.
Variant type: single nucleotide variant.
Coding change: c.2776T>C on transcript NM_000038.6 (MANE Select); coding-DNA position 2776, T replaced by C.
Protein change: p.Ser926Pro; replaces serine 926 with proline.
Molecular consequence: missense variant.
Genome position (GRCh38, 1-based): chr5:112,838,370, T>C. VCF-style: chr5-112838370-T-C. GRCh37 (hg19) VCF-style: chr5-112174067-T-C.
Other names: c.2776T>C, p.Ser926Pro (NM_001127510.3, NM_001354895.2); c.2722T>C, p.Ser908Pro (NM_001127511.3); c.2830T>C, p.Ser944Pro (NM_001354896.2); c.2806T>C, p.Ser936Pro (NM_001354897.2); c.2701T>C, p.Ser901Pro (NM_001354898.2); c.2692T>C, p.Ser898Pro (NM_001354899.2); c.2653T>C, p.Ser885Pro (NM_001354900.2); c.2599T>C, p.Ser867Pro (NM_001354901.2); and 5 more; short protein forms S643P, S766P, S800P, S825P, S835P, S867P, S885P, S898P.
Identifiers: ClinVar variation 1315593 (VCV001315593.8), dbSNP rs1580626857, ClinGen allele CA16027388.

ClinVar aggregate classification (germline): Uncertain significance. Review status: criteria provided, multiple submitters, no conflicts (2 of 4 stars). 4 submissions from 4 submitters: Uncertain significance (4). Last evaluated 2024-09-16.

Conditions:
Hereditary cancer-predisposing syndrome. Also called: Hereditary neoplastic syndrome; Neoplastic Syndromes, Hereditary; Tumor predisposition; Hereditary Cancer Syndrome. Identifiers: Orphanet 140162, MedGen C0027672, MeSH D009386, MONDO:0015356.
Familial adenomatous polyposis 1 (FAP1). Also called: POLYPOSIS, ADENOMATOUS INTESTINAL; FAMILIAL ADENOMATOUS POLYPOSIS 1, ATTENUATED. Identifiers: MedGen C2713442, MONDO:0021056, OMIM 175100. Disease mechanism: loss of function.

Submissions (4):

Ambry Genetics
Classification: Uncertain significance for Hereditary cancer-predisposing syndrome. Last evaluated: 2024-09-16. Review status: criteria provided, single submitter. Criteria: Ambry Variant Classification Scheme 2023. Collection method: clinical testing. Allele origin: germline.
Comment: The p.S926P variant (also known as c.2776T>C), located in coding exon 15 of the APC gene, results from a T to C substitution at nucleotide position 2776. The serine at codon 926 is replaced by proline, an amino acid with similar properties. This amino acid position is well conserved in available vertebrate species. In addition, in silico predictors for this gene do not accurately predict pathogenicity. Missense alterations in APC are not a common cause of disease (Spier I et al. Genet Med. 2024 Feb;26(2):100992). Based on the available evidence, the clinical significance of this variant remains unclear.

Labcorp Genetics (formerly Invitae), Labcorp
Classification: Uncertain significance for Familial adenomatous polyposis 1. Last evaluated: 2024-06-24. Review status: criteria provided, single submitter. Criteria: Invitae Variant Classification Sherloc (09022015). Collection method: clinical testing. Allele origin: germline.
Comment: This sequence change replaces serine, which is neutral and polar, with proline, which is neutral and non-polar, at codon 926 of the APC protein (p.Ser926Pro). This variant is not present in population databases (gnomAD no frequency). This variant has not been reported in the literature in individuals affected with APC-related conditions. ClinVar contains an entry for this variant (Variation ID: 1315593). Advanced modeling of protein sequence and biophysical properties (such as structural, functional, and spatial information, amino acid conservation, physicochemical variation, residue mobility, and thermodynamic stability) performed at Invitae indicates that this missense variant is not expected to disrupt APC protein function with a negative predictive value of 95%. In summary, the available evidence is currently insufficient to determine the role of this variant in disease. Therefore, it has been classified as a Variant of Uncertain Significance.

Color Diagnostics, LLC DBA Color Health
Classification: Uncertain significance for Hereditary cancer-predisposing syndrome. Last evaluated: 2021-09-16. Review status: criteria provided, single submitter. Criteria: ACMG Guidelines, 2015. Collection method: clinical testing. Allele origin: germline.
Comment: This missense variant replaces serine with proline at codon 926 of the APC protein. Computational prediction suggests that this variant may not impact protein structure and function (internally defined REVEL score threshold <= 0.5, PMID: 27666373). To our knowledge, functional studies have not been reported for this variant. This variant has been reported in an individual affected with hyperplastic polyposis (PMID: 22809968). This variant has not been identified in the general population by the Genome Aggregation Database (gnomAD). The available evidence is insufficient to determine the role of this variant in disease conclusively. Therefore, this variant is classified as a Variant of Uncertain Significance.

GeneDx
Classification: Uncertain significance. Last evaluated: 2019-04-30. Review status: criteria provided, single submitter. Criteria: GeneDx Variant Classification Process June 2021. Collection method: clinical testing. Allele origin: germline. Affected: yes.
Comment: Not observed in large population cohorts (Lek et al., 2016); This variant is associated with the following publications: (PMID: 22809968)

Literature cited by the submitters: PubMed 22809968 (cited by Color Diagnostics, LLC DBA Color Health).